The following is an entry in ClinVar:

NM_207037.2(TCF12):c.898G>A (p.Gly300Ser)

Gene: TCF12 (transcription factor 12; plus strand). Cytogenetic location: 15q21.3.
Variant type: single nucleotide variant.
Coding change: c.898G>A on transcript NM_207037.2 (MANE Select); coding-DNA position 898, G replaced by A.
Protein change: p.Gly300Ser; replaces glycine 300 with serine.
Molecular consequence: missense variant.
Genome position (GRCh38, 1-based): chr15:57,232,784, G>A. VCF-style: chr15-57232784-G-A. GRCh37 (hg19) VCF-style: chr15-57524982-G-A.
Other names: c.934G>A, p.Gly312Ser (NM_001322164.2); c.898G>A, p.Gly300Ser (NM_001322165.2, NM_003205.4, NM_207036.2 and 7 more transcripts); c.388G>A, p.Gly130Ser (NM_207040.2, NM_001306219.3); c.190G>A, p.Gly64Ser (NM_001306220.3); c.241G>A, p.Gly81Ser (NM_001322154.2); c.724G>A, p.Gly242Ser (NM_001322156.2, NM_001322158.2); short protein forms G300S, G242S, G312S, G81S, G130S, G64S.
Identifiers: ClinVar variation 263284 (VCV000263284.13), dbSNP rs12442879, ClinGen allele CA7581055.

ClinVar aggregate classification (germline): Benign. Review status: criteria provided, multiple submitters, no conflicts (2 of 4 stars). 5 submissions from 5 submitters: Benign (5). Last evaluated 2026-02-02.

Allele frequency attached by ClinVar (database versions not stated): ESP Exome Variant Server 0.02576; gnomAD 0.03417; TOPMed 0.03788; gnomAD exomes 0.03920 and 0.06280; 1000 Genomes Project 0.04553; 1000 Genomes Project 30x 0.04747; ExAC 0.05418.
gnomAD v4.1: 63,194 of 1,612,244 alleles (3.9%); highest among the groups gnomAD compares: Admixed American, 24%; 3,004 homozygotes.

Submissions (21):

Labcorp Genetics (formerly Invitae), Labcorp
Classification: Benign. Last evaluated: 2026-02-02. Review status: criteria provided, single submitter. Criteria: Invitae Variant Classification Sherloc (09022015). Collection method: clinical testing. Allele origin: germline.

Blueprint Genetics
Classification: Benign. Last evaluated: 2024-11-27. Review status: criteria provided, single submitter. Criteria: ACMG Guidelines, 2015. Collection method: clinical testing. Allele origin: germline.

GeneDx
Classification: Benign. Last evaluated: 2018-07-25. Review status: criteria provided, single submitter. Criteria: GeneDx Variant Classification Process June 2021. Collection method: clinical testing. Allele origin: germline. Affected: yes.
Comment: This variant is associated with the following publications: (PMID: 26264438)

Breakthrough Genomics
Classification: Benign. Review status: criteria provided, single submitter. Criteria: ACMG Guidelines, 2015. Collection method: not provided. Allele origin: germline. Inheritance: Autosomal dominant inheritance. Affected: yes.

PreventionGenetics, part of Exact Sciences
Classification: Benign. Review status: criteria provided, single submitter. Criteria: ACMG Guidelines, 2015. Collection method: clinical testing. Allele origin: germline.

Dr. Peter K. Rogan Lab, Western University
No classification provided (evidence only). Condition: Acute myeloid leukemia. Review status: no classification provided. Collection method: in vitro. Allele origin: not applicable. Functional consequence: retained intron. Not counted in ClinVar's aggregate classification.

Dr. Peter K. Rogan Lab, Western University
No classification provided (evidence only). Condition: Acute myeloid leukemia. Review status: no classification provided. Collection method: in vitro. Allele origin: not applicable. Functional consequence: retained intron. Not counted in ClinVar's aggregate classification.

Dr. Peter K. Rogan Lab, Western University
No classification provided (evidence only). Condition: Colon adenocarcinoma. Review status: no classification provided. Collection method: in vitro. Allele origin: not applicable. Functional consequence: retained intron. Not counted in ClinVar's aggregate classification.

Dr. Peter K. Rogan Lab, Western University
No classification provided (evidence only). Condition: Uterine corpus endometrial carcinoma. Review status: no classification provided. Collection method: in vitro. Allele origin: not applicable. Functional consequence: retained intron. Not counted in ClinVar's aggregate classification.

Dr. Peter K. Rogan Lab, Western University
No classification provided (evidence only). Condition: Uterine corpus endometrial carcinoma. Review status: no classification provided. Collection method: in vitro. Allele origin: not applicable. Functional consequence: retained intron. Not counted in ClinVar's aggregate classification.

Dr. Peter K. Rogan Lab, Western University
No classification provided (evidence only). Condition: Sarcoma. Review status: no classification provided. Collection method: in vitro. Allele origin: not applicable. Functional consequence: retained intron. Not counted in ClinVar's aggregate classification.

Dr. Peter K. Rogan Lab, Western University
No classification provided (evidence only). Condition: Hepatocellular carcinoma. Review status: no classification provided. Collection method: in vitro. Allele origin: not applicable. Functional consequence: retained intron. Not counted in ClinVar's aggregate classification.

Dr. Peter K. Rogan Lab, Western University
No classification provided (evidence only). Condition: Cholangiocarcinoma. Review status: no classification provided. Collection method: in vitro. Allele origin: not applicable. Functional consequence: retained intron. Not counted in ClinVar's aggregate classification.

Dr. Peter K. Rogan Lab, Western University
No classification provided (evidence only). Condition: Cholangiocarcinoma. Review status: no classification provided. Collection method: in vitro. Allele origin: not applicable. Functional consequence: retained intron. Not counted in ClinVar's aggregate classification.

Dr. Peter K. Rogan Lab, Western University
No classification provided (evidence only). Condition: Malignant tumor of esophagus. Review status: no classification provided. Collection method: in vitro. Allele origin: not applicable. Functional consequence: retained intron. Not counted in ClinVar's aggregate classification.

Dr. Peter K. Rogan Lab, Western University
No classification provided (evidence only). Condition: Malignant tumor of esophagus. Review status: no classification provided. Collection method: in vitro. Allele origin: not applicable. Functional consequence: retained intron. Not counted in ClinVar's aggregate classification.

Dr. Peter K. Rogan Lab, Western University
No classification provided (evidence only). Condition: Malignant tumor of esophagus. Review status: no classification provided. Collection method: in vitro. Allele origin: not applicable. Functional consequence: retained intron. Not counted in ClinVar's aggregate classification.

Dr. Peter K. Rogan Lab, Western University
No classification provided (evidence only). Condition: Malignant tumor of esophagus. Review status: no classification provided. Collection method: in vitro. Allele origin: not applicable. Functional consequence: retained intron. Not counted in ClinVar's aggregate classification.

Dr. Peter K. Rogan Lab, Western University
No classification provided (evidence only). Condition: Malignant tumor of esophagus. Review status: no classification provided. Collection method: in vitro. Allele origin: not applicable. Functional consequence: retained intron. Not counted in ClinVar's aggregate classification.

Dr. Peter K. Rogan Lab, Western University
No classification provided (evidence only). Condition: Malignant tumor of esophagus. Review status: no classification provided. Collection method: in vitro. Allele origin: not applicable. Functional consequence: retained intron. Not counted in ClinVar's aggregate classification.

Dr. Peter K. Rogan Lab, Western University
No classification provided (evidence only). Condition: Malignant tumor of esophagus. Review status: no classification provided. Collection method: in vitro. Allele origin: not applicable. Functional consequence: retained intron. Not counted in ClinVar's aggregate classification.